The following is an entry in ClinVar:

NM_033380.3(COL4A5):c.609G>T (p.Met203Ile)

Gene: COL4A5 (collagen type IV alpha 5 chain; plus strand). Cytogenetic location: Xq22.3.
Variant type: single nucleotide variant.
Coding change: c.609G>T on transcript NM_033380.3 (MANE Select); coding-DNA position 609, G replaced by T.
Protein change: p.Met203Ile; replaces methionine 203 with isoleucine.
Molecular consequence: missense variant.
Genome position (GRCh38, 1-based): chrX:108,575,972, G>T. VCF-style: chrX-108575972-G-T. GRCh37 (hg19) VCF-style: chrX-107819202-G-T.
Other names: c.609G>T, p.Met203Ile (NM_000495.5); short protein forms M203I.
Identifiers: ClinVar variation 1424339 (VCV001424339.9), dbSNP rs2147765366, ClinGen allele CA413922559.
Genomic context (GRCh38, chrX:108,575,972, plus strand): 5'-CCTACCTGGTCCCACTGGTATACCAGGGCCAATTGGTCCCCCAGGACCACCAGGTTTGAT[G>T]GTAAGCTCTCTTCTTTAATTTAATTTCCCCCCCTTTCCTTTCTGACTTCTTTCAGGAATA-3'
Protein context (NP_203699.1, residues 193-213): PIGPPGPPGL[Met203Ile]GPPGPPGLPG

ClinVar aggregate classification (germline): Uncertain significance (1 of 4 stars; one submission).

Submissions (2):

Labcorp Genetics (formerly Invitae), Labcorp
Classification: Uncertain significance. Last evaluated: 2020-11-18. Review status: criteria provided, single submitter. Criteria: Invitae Variant Classification Sherloc (09022015). Collection method: clinical testing. Allele origin: germline.
Comment: In summary, the available evidence is currently insufficient to determine the role of this variant in disease. Therefore, it has been classified as a Variant of Uncertain Significance. Nucleotide substitutions within the consensus splice site are a relatively common cause of aberrant splicing (PMID: 17576681, 9536098). Algorithms developed to predict the effect of sequence changes on RNA splicing suggest that this variant may disrupt the consensus splice site, but this prediction has not been confirmed by published transcriptional studies. Algorithms developed to predict the effect of missense changes on protein structure and function are either unavailable or do not agree on the potential impact of this missense change (SIFT: "Tolerated"; PolyPhen-2: "Not Available"; Align-GVGD: "Class C0"). This variant has not been reported in the literature in individuals with COL4A5-related conditions. This variant is not present in population databases (ExAC no frequency). This sequence change replaces methionine with isoleucine at codon 203 of the COL4A5 protein (p.Met203Ile). The methionine residue is moderately conserved and there is a small physicochemical difference between methionine and isoleucine. This variant also falls at the last nucleotide of exon 10, which is part of the consensus splice site for this exon.

Dr. Peter K. Rogan Lab, Western University
No classification provided (evidence only). Condition: Nonpapillary renal cell carcinoma. Review status: no classification provided. Collection method: in vitro. Allele origin: not applicable. Functional consequence: skipped exon. Not counted in ClinVar's aggregate classification.

Literature cited by the submitters: PubMed 17576681 (cited by Labcorp Genetics (formerly Invitae), Labcorp); PubMed 9536098 (cited by Labcorp Genetics (formerly Invitae), Labcorp).